The following is an entry in ClinVar:

ClinVar aggregate classification (germline): Uncertain significance (1 of 4 stars; one submission).

Conditions:
Inborn genetic diseases. Identifiers: MedGen C0950123, MeSH D030342.

Submission:

Ambry Genetics
Classification: Uncertain significance for Inborn genetic diseases. Last evaluated: 2020-10-13. Review status: criteria provided, single submitter. Criteria: Ambry Variant Classification Scheme 2023. Collection method: clinical testing. Allele origin: germline.
Comment: The p.M1514I variant (also known as c.4542G>A), located in coding exon 33 of the DST gene, results from a G to A substitution at nucleotide position 4542. The methionine at codon 1514 is replaced by isoleucine, an amino acid with highly similar properties. This amino acid position is well conserved in available vertebrate species. In addition, this alteration is predicted to be tolerated by in silico analysis. Since supporting evidence is limited at this time, the clinical significance of this alteration remains unclear.

NM_001374736.1(DST):c.4641G>A (p.Met1547Ile)

Gene: DST (dystonin; minus strand). Cytogenetic location: 6p12.1.
Variant type: single nucleotide variant.
Coding change: c.4641G>A on transcript NM_001374736.1 (MANE Select); coding-DNA position 4641, G replaced by A.
Protein change: p.Met1547Ile; replaces methionine 1547 with isoleucine.
Molecular consequence: missense variant.
Genome position (GRCh38, 1-based): chr6:56,627,285, C>T on the plus strand (G>A on the coding strand, the complement: DST is on the minus strand). VCF-style: chr6-56627285-C-T. GRCh37 (hg19) VCF-style: chr6-56492083-C-T.
Other names: c.4542G>A, p.Met1514Ile (NM_001144769.5); c.4128G>A, p.Met1376Ile (NM_001144770.2); c.4641G>A, p.Met1547Ile (NM_001374722.1); c.4008G>A, p.Met1336Ile (NM_001374729.1, NM_001374730.1, NM_001386100.1 and 1 more transcripts); c.4668G>A, p.Met1556Ile (NM_001374734.1); c.3030G>A, p.Met1010Ile (NM_001723.7, NM_015548.5); short protein forms M1514I, M1010I, M1336I, M1547I, M1556I, M1376I.
Identifiers: ClinVar variation 1741369 (VCV001741369.2), dbSNP rs2536889551, ClinGen allele CA364573124.